The following is an entry in ClinVar:

ClinVar aggregate classification (germline): Uncertain significance (1 of 4 stars; one submission).

Submission:

Labcorp Genetics (formerly Invitae), Labcorp
Classification: Uncertain significance. Last evaluated: 2023-07-12. Review status: criteria provided, single submitter. Criteria: Invitae Variant Classification Sherloc (09022015). Collection method: clinical testing. Allele origin: germline.
Comment: In summary, the available evidence is currently insufficient to determine the role of this variant in disease. Therefore, it has been classified as a Variant of Uncertain Significance. Advanced modeling of protein sequence and biophysical properties (such as structural, functional, and spatial information, amino acid conservation, physicochemical variation, residue mobility, and thermodynamic stability) performed at Invitae indicates that this missense variant is not expected to disrupt KMT2A protein function. This variant has not been reported in the literature in individuals affected with KMT2A-related conditions. The frequency data for this variant in the population databases is considered unreliable, as metrics indicate insufficient coverage at this position in the gnomAD database. This sequence change replaces glycine, which is neutral and non-polar, with arginine, which is basic and polar, at codon 52 of the KMT2A protein (p.Gly52Arg).

NM_001197104.2(KMT2A):c.154G>A (p.Gly52Arg)

Gene: KMT2A (lysine methyltransferase 2A; plus strand). Cytogenetic location: 11q23.3.
Variant type: single nucleotide variant.
Coding change: c.154G>A on transcript NM_001197104.2 (MANE Select); coding-DNA position 154, G replaced by A.
Protein change: p.Gly52Arg; replaces glycine 52 with arginine.
Molecular consequence: missense variant.
Genome position (GRCh38, 1-based): chr11:118,436,666, G>A. VCF-style: chr11-118436666-G-A. GRCh37 (hg19) VCF-style: chr11-118307381-G-A.
Other names: c.154G>A, p.Gly52Arg (NM_001412597.1, NM_005933.4); short protein forms G52R.
Identifiers: ClinVar variation 2713647 (VCV002713647.3), dbSNP rs2134153132, ClinGen allele CA382797365.
Genomic context (GRCh38, chr11:118,436,666, plus strand): 5'-CGGCAACGCGTCCCGGCCCTGCTGCTTCCCCCCGGGCCCCCGGTCGGCGGTGGCGGCCCC[G>A]GGGCGCCCCCCTCCCCCCCGGCTGTGGCGGCCGCGGCGGCGGCGGCGGGAAGCAGCGGGG-3'
Protein context (NP_001184033.1, residues 42-62): PGPPVGGGGP[Gly52Arg]APPSPPAVAA